The following is an entry in ClinVar:

ClinVar aggregate classification (germline): Uncertain significance (1 of 4 stars; one submission).

Conditions:
Myofibrillar myopathy 5. Also called: Filaminopathy (type); FILAMINOPATHY, AUTOSOMAL DOMINANT. Identifiers: Orphanet 171445, MedGen C1836050, MONDO:0012289, OMIM 609524.
Hypertrophic cardiomyopathy 26. Also called: Cardiomyopathy, familial hypertrophic, 26. Identifiers: Orphanet 75249, MedGen C4310749, MONDO:0014883, OMIM 617047.
Distal myopathy with posterior leg and anterior hand involvement. Also called: WILLIAMS DISTAL MYOPATHY. Identifiers: Orphanet 63273, MedGen C3279722, MONDO:0013550, OMIM 614065.

Submission:

Labcorp Genetics (formerly Invitae), Labcorp
Classification: Uncertain significance for Distal myopathy with posterior leg and anterior hand involvement; Myofibrillar myopathy 5; Hypertrophic cardiomyopathy 26. Last evaluated: 2026-02-01. Review status: criteria provided, single submitter. Criteria: Invitae Variant Classification Sherloc (09022015). Collection method: clinical testing. Allele origin: germline.
Comment: This variant, c.1858_1860del, results in the deletion of 1 amino acid(s) of the FLNC protein (p.Asp620del), but otherwise preserves the integrity of the reading frame. This variant is not present in population databases (gnomAD no frequency). This variant has not been reported in the literature in individuals affected with FLNC-related conditions. Experimental studies and prediction algorithms are not available or were not evaluated, and the functional significance of this variant is currently unknown. In summary, the available evidence is currently insufficient to determine the role of this variant in disease. Therefore, it has been classified as a Variant of Uncertain Significance.

NM_001458.5(FLNC):c.1855GAC[1] (p.Asp620del)

Gene: FLNC (filamin C; plus strand). Cytogenetic location: 7q32.1.
Variant type: Microsatellite.
Coding change: c.1855GAC[1] on transcript NM_001458.5 (MANE Select); one copy of the 3-base unit GAC starting at c.1855; the reference has two copies in a row; one copy, 3 bases deleted.
Protein change: p.Asp620del; deletes aspartic acid 620.
Molecular consequence: inframe deletion.
Genome position (GRCh38, 1-based): chr7:128,841,214-128,841,216, GAC deleted; deleting any 3 consecutive bases within chr7:128,841,211-128,841,216 gives the same sequence; the position shown is the placement nearest the transcript's 3' end. VCF-style (leftmost placement, unchanged base first): chr7-128841210-TGAC-T. GRCh37 (hg19) VCF-style: chr7-128481264-TGAC-T.
Other names: c.1855GAC[1], p.Asp620del (NM_001127487.2); short protein forms D620del.
Identifiers: ClinVar variation 2924883 (VCV002924883.3), dbSNP rs2536628248, ClinGen allele CA2740097553.